The following is an entry in ClinVar:

NM_005515.4(MNX1):c.298GGC[5] (p.Gly105del)

Gene: MNX1 (motor neuron and pancreas homeobox 1; minus strand). Cytogenetic location: 7q36.3.
Variant type: Microsatellite.
Coding change: c.298GGC[5] on transcript NM_005515.4 (MANE Select); five copies in a row of the 3-base unit GGC starting at c.298; the reference has six copies in a row; one copy, 3 bases deleted; also written c.313_315del.
Protein change: p.Gly105del; deletes glycine 105.
Molecular consequence: inframe deletion.
Genome position (GRCh38, 1-based): chr7:157,010,036-157,010,038, GCC deleted on the plus strand (GGC on the coding strand, the reverse complement: MNX1 is on the minus strand); deleting any 3 consecutive bases within chr7:157,010,036-157,010,053 gives the same sequence; the position shown is the placement nearest the transcript's 3' end. VCF-style (leftmost placement, unchanged base first): chr7-157010035-TGCC-T. GRCh37 (hg19) VCF-style: chr7-156802729-TGCC-T.
Other names: c.313_315del (NM_005515.4); short protein forms G105del.
Identifiers: ClinVar variation 1217668 (VCV001217668.6), dbSNP rs757330807, ClinGen allele CA4589292.

ClinVar aggregate classification (germline): Likely benign. Review status: criteria provided, multiple submitters, no conflicts (2 of 4 stars). 4 submissions from 4 submitters: Likely benign (4). Last evaluated 2026-08-01.

Conditions:
Currarino triad. Identifiers: Orphanet 1552, MedGen C1531773, MONDO:0008305, OMIM 176450.

Submissions (4):

CeGaT Center for Human Genetics Tuebingen
Classification: Likely benign. Last evaluated: 2026-08-01. Review status: criteria provided, single submitter. Criteria: CeGaT Center For Human Genetics Tuebingen Variant Classification Criteria Version 2. Collection method: clinical testing. Allele origin: germline. Affected: yes. Observed: 2 variant alleles.
Comment: MNX1: BS1

Blueprint Genetics
Classification: Likely benign. Last evaluated: 2024-11-26. Review status: criteria provided, single submitter. Criteria: ACMG Guidelines, 2015. Collection method: clinical testing. Allele origin: germline.

Fulgent Genetics
Classification: Likely benign for Currarino triad. Last evaluated: 2022-01-17. Review status: criteria provided, single submitter. Criteria: ACMG Guidelines, 2015. Collection method: clinical testing. Allele origin: unknown.

GeneDx
Classification: Likely benign. Last evaluated: 2020-05-09. Review status: criteria provided, single submitter. Criteria: GeneDx Variant Classification Process June 2021. Collection method: clinical testing. Allele origin: germline. Affected: yes.